The following is an entry in ClinVar:

ClinVar aggregate classification (germline): Likely benign (1 of 4 stars; one submission).

gnomAD v4.1: 31 of 1,614,070 alleles (0.0019%); highest among the groups gnomAD compares: South Asian, 0.022%; 1 homozygote.

Submission:

CeGaT Center for Human Genetics Tuebingen
Classification: Likely benign. Last evaluated: 2025-12-01. Review status: criteria provided, single submitter. Criteria: CeGaT Center For Human Genetics Tuebingen Variant Classification Criteria Version 2. Collection method: clinical testing. Allele origin: germline. Affected: yes. Observed: 1 variant allele.
Comment: TCF20: BS2

NM_001378418.1(TCF20):c.2884C>T (p.Arg962Cys)

Gene: TCF20 (transcription factor 20; minus strand). Cytogenetic location: 22q13.2.
Variant type: single nucleotide variant.
Coding change: c.2884C>T on transcript NM_001378418.1 (MANE Select); coding-DNA position 2884, C replaced by T.
Protein change: p.Arg962Cys; replaces arginine 962 with cysteine.
Molecular consequence: missense variant.
Genome position (GRCh38, 1-based): chr22:42,212,422, G>A on the plus strand (C>T on the coding strand, the complement: TCF20 is on the minus strand). VCF-style: chr22-42212422-G-A. GRCh37 (hg19) VCF-style: chr22-42608428-G-A.
Other names: c.2884C>T, p.Arg962Cys (NM_005650.4, NM_181492.3); short protein forms R962C.
Identifiers: ClinVar variation 4534128 (VCV004534128.6).